The following is an entry in ClinVar:

NM_032043.3(BRIP1):c.3590G>A (p.Gly1197Glu)

Gene: BRIP1 (BRCA1 interacting DNA helicase 1; minus strand). Cytogenetic location: 17q23.2.
Variant type: single nucleotide variant.
Coding change: c.3590G>A on transcript NM_032043.3 (MANE Select); coding-DNA position 3590, G replaced by A.
Protein change: p.Gly1197Glu; replaces glycine 1197 with glutamic acid.
Molecular consequence: missense variant.
Genome position (GRCh38, 1-based): chr17:61,683,456, C>T on the plus strand (G>A on the coding strand, the complement: BRIP1 is on the minus strand). VCF-style: chr17-61683456-C-T. GRCh37 (hg19) VCF-style: chr17-59760817-C-T.
Other names: short protein forms G1197E.
Identifiers: ClinVar variation 141350 (VCV000141350.21), dbSNP rs587781677, ClinGen allele CA165179.
Genomic context (GRCh38, chr17:61,683,456, plus strand): 5'-CAAGTTGTTTTTACATTACCATCAATGTCATCAATTTTACTTTCTTCAATATGCAGAATT[C>T]CATTCAACTTTGTATCTATGCAATCCTCAGCTTTCACTTCTCTGGCTGAATCTACTTCTT-3'
Protein context (NP_114432.2, residues 1187-1207): AEDCIDTKLN[Gly1197Glu]ILHIEESKID

ClinVar aggregate classification (germline): Uncertain significance. Review status: criteria provided, multiple submitters, no conflicts (2 of 4 stars). 6 submissions from 6 submitters: Uncertain significance (6). Last evaluated 2025-12-01.

Conditions:
Hereditary cancer-predisposing syndrome. Also called: Neoplastic Syndromes, Hereditary; Hereditary Cancer Syndrome; Tumor predisposition; Hereditary neoplastic syndrome. Identifiers: Orphanet 140162, MedGen C0027672, MeSH D009386, MONDO:0015356.
Fanconi anemia complementation group J. Also called: BRIP1-Related Fanconi Anemia. Identifiers: Orphanet 84, MedGen C1836860, MONDO:0012187, OMIM 609054.
Familial cancer of breast. Also called: BREAST CANCER, FAMILIAL; Hereditary breast cancer; hereditary breast carcinoma. Identifiers: Orphanet 227535, MedGen C0346153, MONDO:0016419, OMIM 114480. Disease mechanism: loss of function.

Submissions (6):

Labcorp Genetics (formerly Invitae), Labcorp
Classification: Uncertain significance for Familial cancer of breast; Fanconi anemia complementation group J. Last evaluated: 2025-12-01. Review status: criteria provided, single submitter. Criteria: Invitae Variant Classification Sherloc (09022015). Collection method: clinical testing. Allele origin: germline.
Comment: This sequence change replaces glycine, which is neutral and non-polar, with glutamic acid, which is acidic and polar, at codon 1197 of the BRIP1 protein (p.Gly1197Glu). This variant is not present in population databases (gnomAD no frequency). This variant has not been reported in the literature in individuals affected with BRIP1-related conditions. ClinVar contains an entry for this variant (Variation ID: 141350). Invitae Evidence Modeling of protein sequence and biophysical properties (such as structural, functional, and spatial information, amino acid conservation, physicochemical variation, residue mobility, and thermodynamic stability) indicates that this missense variant is not expected to disrupt BRIP1 protein function with a negative predictive value of 95%. In summary, the available evidence is currently insufficient to determine the role of this variant in disease. Therefore, it has been classified as a Variant of Uncertain Significance.

Dasa
Classification: Uncertain significance. Last evaluated: 2025-04-12. Review status: criteria provided, single submitter. Criteria: DASA Assertion Criteria. Collection method: clinical testing. Allele origin: germline.
Comment: NM_032043.3(BRIP1):c.3590G>A (p.Gly1197Glu) is a missense variant that results in the substitution of glycine with glutamic acid. This variant is absent from population databases. Computational prediction algorithms are consistent with a benign effect. The currently available literature and clinical evidence are not sufficient to establish a definitive association between this variant and the reported condition. Therefore, this variant is classified as a variant of uncertain significance.

Ambry Genetics
Classification: Uncertain significance for Hereditary cancer-predisposing syndrome. Last evaluated: 2024-09-22. Review status: criteria provided, single submitter. Criteria: Ambry Variant Classification Scheme 2023. Collection method: clinical testing. Allele origin: germline.
Comment: The p.G1197E variant (also known as c.3590G>A), located in coding exon 19 of the BRIP1 gene, results from a G to A substitution at nucleotide position 3590. The glycine at codon 1197 is replaced by glutamic acid, an amino acid with similar properties. This amino acid position is not well conserved in available vertebrate species. In addition, this alteration is predicted to be tolerated by in silico analysis. Since supporting evidence is limited at this time, the clinical significance of this alteration remains unclear.

Women's Health and Genetics/Laboratory Corporation of America, LabCorp
Classification: Uncertain significance. Last evaluated: 2024-03-22. Review status: criteria provided, single submitter. Criteria: LabCorp Variant Classification Summary - May 2015. Collection method: clinical testing. Allele origin: germline.

Color Diagnostics, LLC DBA Color Health
Classification: Uncertain significance for Hereditary cancer-predisposing syndrome. Last evaluated: 2024-03-07. Review status: criteria provided, single submitter. Criteria: ACMG Guidelines, 2015. Collection method: clinical testing. Allele origin: germline.
Comment: This missense variant replaces glycine with glutamic acid at codon 1197 of the BRIP1 protein. Computational prediction suggests that this variant may not impact protein structure and function (internally defined REVEL score threshold <= 0.5, PMID: 27666373). To our knowledge, functional studies have not been reported for this variant. This variant has not been reported in individuals affected with hereditary cancer in the literature. This variant has not been identified in the general population by the Genome Aggregation Database (gnomAD). The available evidence is insufficient to determine the role of this variant in disease conclusively. Therefore, this variant is classified as a Variant of Uncertain Significance.

PreventionGenetics, part of Exact Sciences
Classification: Uncertain significance. Last evaluated: 2017-03-06. Review status: criteria provided, single submitter. Criteria: ACMG Guidelines, 2015. Collection method: clinical testing. Allele origin: germline.